The following is an entry in ClinVar:

ClinVar aggregate classification (germline): Likely benign (0 of 4 stars; one submission).

Conditions:
PER3-related disorder. Also called: PER3-related condition.

Allele frequency attached by ClinVar (database versions not stated): gnomAD exomes 0.00004; ESP Exome Variant Server 0.00008; ExAC 0.00012; gnomAD 0.00026; 1000 Genomes Project 30x 0.00031; TOPMed 0.00031; 1000 Genomes Project 0.00040.
gnomAD v4.1: 109 of 1,613,846 alleles (0.0068%); highest among the groups gnomAD compares: African/African-American, 0.11%; no homozygotes.

Submission:

PreventionGenetics, part of Exact Sciences
Classification: Likely benign for PER3-related condition. Last evaluated: 2019-05-21. Review status: no assertion criteria provided. Collection method: clinical testing. Allele origin: germline.
Comment: This variant is classified as likely benign based on ACMG/AMP sequence variant interpretation guidelines (Richards et al. 2015 PMID: 25741868, with internal and published modifications).

NM_001377275.1(PER3):c.489G>A (p.Ala163=)

Gene: PER3 (period circadian regulator 3; plus strand). Cytogenetic location: 1p36.23.
Variant type: single nucleotide variant.
Coding change: c.489G>A on transcript NM_001377275.1 (MANE Select); coding-DNA position 489, G replaced by A.
Protein change: p.Ala163=; no amino-acid change (alanine 163 retained).
Molecular consequence: synonymous variant. On other transcripts: 5 prime UTR variant (1).
Genome position (GRCh38, 1-based): chr1:7,788,143, G>A. VCF-style: chr1-7788143-G-A. GRCh37 (hg19) VCF-style: chr1-7848203-G-A.
Other names: c.489G>A, p.Ala163= (NM_001289861.2, NM_001289862.2, NM_001289863.3 and 2 more transcripts); c.-530G>A (NM_001289864.3).
Identifiers: ClinVar variation 3038806 (VCV003038806.2), dbSNP rs191955069, ClinGen allele CA567743.
Genomic context (GRCh38, chr1:7,788,143, plus strand): 5'-GTTAGTGCACATTTCTGAACAGGCTGCTTTGATCCTGAATCGTAAGAAAGATGTCCTGGC[G>A]TCTTCTCACTTTGTTGACCTGCTTGCACCTCAAGACATGAGGGTATTCTACGCGCACACT-3'
Protein context (NP_001364204.1, residues 153-173): LILNRKKDVL[Ala163=]SSHFVDLLAP